The following is an entry in ClinVar:

ClinVar aggregate classification (germline): Likely benign (1 of 4 stars; one submission).

Conditions:
NPHP4-related disorder. Also called: NPHP4-related condition; NPHP4-related disorders. Identifiers: MedGen CN239384.

Submission:

PreventionGenetics, part of Exact Sciences
Classification: Likely benign for NPHP4-related condition. Last evaluated: 2025-04-30. Review status: criteria provided, single submitter. Criteria: ACMG Guidelines, 2015. Collection method: clinical testing. Allele origin: germline.
Comment: This variant is classified as likely benign based on ACMG/AMP sequence variant interpretation guidelines (Richards et al. 2015 PMID: 25741868, with internal and published modifications).

NM_015102.5(NPHP4):c.3093C>T (p.Gly1031=)

Gene: NPHP4 (nephrocystin 4; minus strand). Cytogenetic location: 1p36.31.
Variant type: single nucleotide variant.
Coding change: c.3093C>T on transcript NM_015102.5 (MANE Select); coding-DNA position 3093, C replaced by T.
Protein change: p.Gly1031=; no amino-acid change (glycine 1031 retained).
Molecular consequence: synonymous variant. On other transcripts: non-coding transcript variant (1).
Genome position (GRCh38, 1-based): chr1:5,874,609, G>A on the plus strand (C>T on the coding strand, the complement: NPHP4 is on the minus strand). VCF-style: chr1-5874609-G-A. GRCh37 (hg19) VCF-style: chr1-5934669-G-A.
Other names: c.1554C>T, p.Gly518= (NM_001291593.2); c.1557C>T, p.Gly519= (NM_001291594.2).
Identifiers: ClinVar variation 4987490 (VCV004987490.1).
Genomic context (GRCh38, chr1:5,874,609, plus strand): 5'-GAGCTGGGGGGCCAGGCTGCCACGCAGGTGGAACATGTCCTCCTCCACCGGTGTGTGCAG[G>A]CCAGCAGCACCCTTGAAGTCCCTCCACTCCTGACTGTCCACGATGACGCTGGGGGAGGCA-3'
Protein context (NP_055917.1, residues 1021-1041): QEWRDFKGAA[Gly1031=]LHTPVEEDMF